The following is an entry in ClinVar:

ClinVar aggregate classification (germline): Uncertain significance (1 of 4 stars; one submission).

Conditions:
Haddad syndrome (OHD). Also called: Ondine-Hirschsprung disease. Identifiers: Orphanet 99803, MedGen C1859049, MONDO:0020493.

Submission:

Labcorp Genetics (formerly Invitae), Labcorp
Classification: Uncertain significance for Haddad syndrome. Last evaluated: 2023-09-17. Review status: criteria provided, single submitter. Criteria: Invitae Variant Classification Sherloc (09022015). Collection method: clinical testing. Allele origin: germline.
Comment: In summary, the available evidence is currently insufficient to determine the role of this variant in disease. Therefore, it has been classified as a Variant of Uncertain Significance. Advanced modeling of protein sequence and biophysical properties (such as structural, functional, and spatial information, amino acid conservation, physicochemical variation, residue mobility, and thermodynamic stability) performed at Invitae indicates that this missense variant is not expected to disrupt PHOX2B protein function. This variant has not been reported in the literature in individuals affected with PHOX2B-related conditions. This variant is not present in population databases (gnomAD no frequency). This sequence change replaces alanine, which is neutral and non-polar, with proline, which is neutral and non-polar, at codon 241 of the PHOX2B protein (p.Ala241Pro).

NM_003924.4(PHOX2B):c.721G>C (p.Ala241Pro)

Gene: PHOX2B (paired like homeobox 2B; minus strand). Cytogenetic location: 4p13.
Variant type: single nucleotide variant.
Coding change: c.721G>C on transcript NM_003924.4 (MANE Select); coding-DNA position 721, G replaced by C.
Protein change: p.Ala241Pro; replaces alanine 241 with proline.
Molecular consequence: missense variant.
Genome position (GRCh38, 1-based): chr4:41,746,031, C>G on the plus strand (G>C on the coding strand, the complement: PHOX2B is on the minus strand). VCF-style: chr4-41746031-C-G. GRCh37 (hg19) VCF-style: chr4-41748048-C-G.
Other names: short protein forms A241P.
Identifiers: ClinVar variation 2761047 (VCV002761047.3), dbSNP rs2552096828, ClinGen allele CA356737273.